The following is an entry in ClinVar:

NM_000352.6(ABCC8):c.2266G>T (p.Glu756Ter)

Gene: ABCC8 (ATP binding cassette subfamily C member 8; minus strand). Cytogenetic location: 11p15.1.
Variant type: single nucleotide variant.
Coding change: c.2266G>T on transcript NM_000352.6 (MANE Select); coding-DNA position 2266, G replaced by T.
Protein change: p.Glu756Ter; replaces glutamic acid 756 with a stop codon.
Molecular consequence: nonsense. On other transcripts: non-coding transcript variant (1).
Genome position (GRCh38, 1-based): chr11:17,415,329, C>A on the plus strand (G>T on the coding strand, the complement: ABCC8 is on the minus strand). VCF-style: chr11-17415329-C-A. GRCh37 (hg19) VCF-style: chr11-17436876-C-A.
Other names: c.2269G>T, p.Glu757Ter (NM_001287174.3); c.2332G>T, p.Glu778Ter (NM_001351295.2); c.2266G>T, p.Glu756Ter (NM_001351296.2); c.2263G>T, p.Glu755Ter (NM_001351297.2); short protein forms E757*, E778*, E756*, E755*.
Identifiers: ClinVar variation 1371056 (VCV001371056.7), dbSNP rs751826777, ClinGen allele CA379810903.

ClinVar aggregate classification (germline): Pathogenic. Review status: criteria provided, multiple submitters, no conflicts (2 of 4 stars). 2 submissions from 2 submitters: Pathogenic (2). Last evaluated 2024-02-14.

Conditions:
Type 2 diabetes mellitus. Also called: Type II diabetes mellitus. Identifiers: MedGen C0011860, MeSH D003924, MONDO:0005148, OMIM 125853, HP:0005978.

gnomAD v4.1: 3 of 1,610,742 alleles (0.00019%); highest among the groups gnomAD compares: Non-Finnish European, 0.00025%; no homozygotes.

Submissions (2):

Labcorp Genetics (formerly Invitae), Labcorp
Classification: Pathogenic. Last evaluated: 2024-02-14. Review status: criteria provided, single submitter. Criteria: Invitae Variant Classification Sherloc (09022015). Collection method: clinical testing. Allele origin: germline.
Comment: This sequence change creates a premature translational stop signal (p.Glu756*) in the ABCC8 gene. It is expected to result in an absent or disrupted protein product. Loss-of-function variants in ABCC8 are known to be pathogenic (PMID: 20685672, 23345197). This variant is not present in population databases (gnomAD no frequency). This premature translational stop signal has been observed in individual(s) with autosomal recessive diffuse hyperinsulinism (PMID: 32027066). This variant is also known as c.2269G>T (p.Glu757*). ClinVar contains an entry for this variant (Variation ID: 1371056). For these reasons, this variant has been classified as Pathogenic.

Baylor Genetics
Classification: Pathogenic for Type 2 diabetes mellitus. Last evaluated: 2023-06-01. Review status: criteria provided, single submitter. Criteria: ACMG Guidelines, 2015. Collection method: clinical testing. Allele origin: unknown.

Literature cited by the submitters: PubMed 20685672 (cited by Labcorp Genetics (formerly Invitae), Labcorp); PubMed 23345197 (cited by Labcorp Genetics (formerly Invitae), Labcorp); PubMed 32027066 (cited by Labcorp Genetics (formerly Invitae), Labcorp).